The following is an entry in ClinVar:

ClinVar aggregate classification (germline): Benign/Likely benign. Review status: criteria provided, multiple submitters, no conflicts (2 of 4 stars). 8 submissions from 8 submitters: Benign (1); Likely benign (4). 3 of the submissions do not count toward it. Last evaluated 2026-01-26.

Conditions:
DEPDC5-related disorder. Also called: DEPDC5-related condition; DEPDC5-related related disorder.
Familial focal epilepsy with variable foci (FPEVF). Identifiers: Orphanet 98820, MedGen C1858477, MONDO:0020310.
Inborn genetic diseases. Identifiers: MedGen C0950123, MeSH D030342.

Allele frequency attached by ClinVar (database versions not stated): ESP Exome Variant Server 0.00025; gnomAD 0.00027 and 0.00028; 1000 Genomes Project 30x 0.00031; gnomAD exomes 0.00031 and 0.00044; TOPMed 0.00040; ExAC 0.00045.

Submissions (9):

Labcorp Genetics (formerly Invitae), Labcorp
Classification: Likely benign for Familial focal epilepsy with variable foci. Last evaluated: 2026-01-26. Review status: criteria provided, single submitter. Criteria: Invitae Variant Classification Sherloc (09022015). Collection method: clinical testing. Allele origin: germline.

CeGaT Center for Human Genetics Tuebingen
Classification: Likely benign. Last evaluated: 2025-11-01. Review status: criteria provided, single submitter. Criteria: CeGaT Center For Human Genetics Tuebingen Variant Classification Criteria Version 2. Collection method: clinical testing. Allele origin: germline. Affected: yes. Observed: 12 variant alleles.
Comment: DEPDC5: BS1

Blueprint Genetics
Classification: Likely benign. Last evaluated: 2024-11-15. Review status: criteria provided, single submitter. Criteria: ACMG Guidelines, 2015. Collection method: clinical testing. Allele origin: germline.

Ambry Genetics
Classification: Likely benign for Inborn genetic diseases. Last evaluated: 2022-06-15. Review status: criteria provided, single submitter. Criteria: Ambry Variant Classification Scheme 2023. Collection method: clinical testing. Allele origin: germline.

GeneDx
Classification: Benign. Last evaluated: 2019-05-21. Review status: criteria provided, single submitter. Criteria: GeneDx Variant Classification Process June 2021. Collection method: clinical testing. Allele origin: germline. Affected: yes.

PreventionGenetics, part of Exact Sciences
Classification: Likely benign for DEPDC5-related condition. Last evaluated: 2020-09-08. Review status: no assertion criteria provided. Collection method: clinical testing. Allele origin: germline. Not counted in ClinVar's aggregate classification.
Comment: This variant is classified as likely benign based on ACMG/AMP sequence variant interpretation guidelines (Richards et al. 2015 PMID: 25741868, with internal and published modifications).

Clinical Genetics DNA and cytogenetics Diagnostics Lab, Erasmus MC, Erasmus Medical Center
Classification: Likely benign. Review status: no assertion criteria provided. Collection method: clinical testing. Allele origin: germline. Affected: yes. Study: VKGL Data-share Consensus. Not counted in ClinVar's aggregate classification.

Dr. Peter K. Rogan Lab, Western University
No classification provided (evidence only). Condition: Familial cancer of breast. Review status: no classification provided. Collection method: in vitro. Allele origin: not applicable. Functional consequence: retained intron. Not counted in ClinVar's aggregate classification.

Genome Diagnostics Laboratory, University Medical Center Utrecht
Classification: Likely benign. Review status: no assertion criteria provided. Collection method: clinical testing. Allele origin: germline. Affected: yes. Study: VKGL Data-share Consensus. Not counted in ClinVar's aggregate classification.

NM_001242896.3(DEPDC5):c.363+6_363+7del

Gene: DEPDC5 (DEP domain containing 5, GATOR1 subcomplex subunit; plus strand). Cytogenetic location: 22q12.2.
Variant type: Deletion.
Coding change: c.363+6_363+7del on transcript NM_001242896.3 (MANE Select); bases 6 to 7 of the intron after coding-DNA position 363, 2 bases deleted (AT; older notation c.363+6_363+7delAT).
Molecular consequence: intron variant.
Genome position (GRCh38, 1-based): chr22:31,766,674-31,766,675, AT deleted. VCF-style (leftmost placement, unchanged base first): chr22-31766673-GAT-G. GRCh37 (hg19) VCF-style: chr22-32162659-GAT-G.
Other names: c.363+6_363+7del (NM_001364318.2, NM_001136029.4, NM_014662.6 and 7 more transcripts); c.279+1614_279+1615del (NM_001369902.1, NM_001369901.1); c.363+6_363+7delAT (NM_001242896.1).
Identifiers: ClinVar variation 466484 (VCV000466484.59), dbSNP rs748242785, ClinGen allele CA10195918.